The following is an entry in ClinVar:

NM_003922.4(HERC1):c.10358G>A (p.Arg3453His)

Gene: HERC1 (HECT and RLD domain containing E3 ubiquitin protein ligase family member 1; minus strand). Cytogenetic location: 15q22.31.
Variant type: single nucleotide variant.
Coding change: c.10358G>A on transcript NM_003922.4 (MANE Select); coding-DNA position 10358, G replaced by A.
Protein change: p.Arg3453His; replaces arginine 3453 with histidine.
Molecular consequence: missense variant.
Genome position (GRCh38, 1-based): chr15:63,652,474, C>T on the plus strand (G>A on the coding strand, the complement: HERC1 is on the minus strand). VCF-style: chr15-63652474-C-T. GRCh37 (hg19) VCF-style: chr15-63944673-C-T.
Other names: short protein forms R3453H.
Identifiers: ClinVar variation 2294510 (VCV002294510.3), dbSNP rs1177456648, ClinGen allele CA392753786.
Genomic context (GRCh38, chr15:63,652,474, plus strand): 5'-AATCTGTTGAACACACAGGTCTGTTGCAGTGAATATTGCTTCTTGGTAACATTCCATACG[C>T]GGATGGTGCCATCATTGCCACTTGTAGCCAAAAGACCTTTTTTATTACACCAAACACATG-3'
Protein context (NP_003913.3, residues 3443-3463): LATSGNDGTI[Arg3453His]VWNVTKKQYS

ClinVar aggregate classification (germline): Uncertain significance. Review status: criteria provided, multiple submitters, no conflicts (2 of 4 stars). 2 submissions from 2 submitters: Uncertain significance (2). Last evaluated 2023-12-06.

Conditions:
Inborn genetic diseases. Identifiers: MedGen C0950123, MeSH D030342.

Allele frequency attached by ClinVar (database versions not stated): gnomAD 0.00001; gnomAD exomes 0.00001.
gnomAD v4.1: 10 of 1,610,832 alleles (0.00062%); highest among the groups gnomAD compares: African/African-American, 0.0013%; no homozygotes.

Submissions (2):

GeneDx
Classification: Uncertain significance. Last evaluated: 2023-12-06. Review status: criteria provided, single submitter. Criteria: GeneDx Variant Classification Process June 2021. Collection method: clinical testing. Allele origin: germline. Affected: yes.
Comment: Not observed at significant frequency in large population cohorts (gnomAD); In silico analysis supports that this missense variant does not alter protein structure/function; Has not been previously published as pathogenic or benign to our knowledge

Ambry Genetics
Classification: Uncertain significance for Inborn genetic diseases. Last evaluated: 2022-06-28. Review status: criteria provided, single submitter. Criteria: Ambry Variant Classification Scheme 2023. Collection method: clinical testing. Allele origin: germline.